The following is an entry in ClinVar:

NM_000179.3(MSH6):c.246dup (p.Ala83fs)

Genes: MSH6 (mutS homolog 6; plus strand), LOC129933707 (ATAC-STARR-seq lymphoblastoid silent region 11468; plus strand). Cytogenetic location: 2p16.3.
Variant type: Duplication.
Coding change: c.246dup on transcript NM_000179.3 (MANE Select); coding-DNA position 246, one base duplicated (T; older notation c.246dupT).
Protein change: p.Ala83fs; shifts the reading frame from alanine 83.
Molecular consequence: frameshift variant. On other transcripts: 5 prime UTR variant (1), intron variant (1).
Genome position (GRCh38, 1-based): chr2:47,783,479, T duplicated. VCF-style (leftmost placement, unchanged base first): chr2-47783478-C-CT. GRCh37 (hg19) VCF-style: chr2-48010617-C-CT.
Other names: c.-491dup (NM_001281493.2); c.237+9dup (NM_001281492.2); c.246dupT (NM_000179.2); short protein forms A83fs.
Identifiers: ClinVar variation 954946 (VCV000954946.12), dbSNP rs1668136752, ClinGen allele CA1139655626.

ClinVar aggregate classification (germline): Pathogenic. Review status: criteria provided, multiple submitters, no conflicts (2 of 4 stars). 4 submissions from 4 submitters: Pathogenic (4). Last evaluated 2023-12-14.

Conditions:
Hereditary nonpolyposis colorectal neoplasms. Identifiers: MedGen C0009405, MeSH D003123.
Hereditary cancer-predisposing syndrome. Also called: Hereditary neoplastic syndrome; Tumor predisposition; Neoplastic Syndromes, Hereditary; Hereditary Cancer Syndrome. Identifiers: Orphanet 140162, MedGen C0027672, MeSH D009386, MONDO:0015356.
Lynch syndrome. Identifiers: Orphanet 144, MedGen C4552100, MONDO:0005835. Disease mechanism: loss of function.

Submissions (4):

Ambry Genetics
Classification: Pathogenic for Hereditary cancer-predisposing syndrome. Last evaluated: 2023-12-14. Review status: criteria provided, single submitter. Criteria: Ambry Variant Classification Scheme 2023. Collection method: clinical testing. Allele origin: germline.
Comment: The c.246dupT pathogenic mutation, located in coding exon 1 of the MSH6 gene, results from a duplication of T at nucleotide position 246, causing a translational frameshift with a predicted alternate stop codon (p.A83Cfs*7). This variant is considered to be rare based on population cohorts in the Genome Aggregation Database (gnomAD). This alteration is expected to result in loss of function by premature protein truncation or nonsense-mediated mRNA decay. As such, this alteration is interpreted as a disease-causing mutation.

Color Diagnostics, LLC DBA Color Health
Classification: Pathogenic for Hereditary cancer-predisposing syndrome. Last evaluated: 2023-08-07. Review status: criteria provided, single submitter. Criteria: ACMG Guidelines, 2015. Collection method: clinical testing. Allele origin: germline.
Comment: This variant inserts 1 nucleotide in exon 1 of the MSH6 gene, creating a frameshift and premature translation stop signal. This variant is expected to result in an absent or non-functional protein product. To our knowledge, this variant has not been reported in individuals affected with MSH6-related disorders in the literature. This variant has not been identified in the general population by the Genome Aggregation Database (gnomAD). Loss of MSH6 function is a known mechanism of disease. Based on the available evidence, this variant is classified as Pathogenic.

All of Us Research Program, National Institutes of Health
Classification: Pathogenic for Lynch syndrome. Last evaluated: 2023-05-31. Review status: criteria provided, single submitter. Criteria: ACMG Guidelines, 2015. Collection method: clinical testing. Allele origin: germline. Inheritance: Autosomal dominant inheritance. Observed: 1 variant allele, 1 heterozygote.
Comment: The c.246dup (p.Ala83Cysfs*7) variant of the MSH6 gene is located on the exon 1 and is predicted to cause reading frame shift that introduces a premature translation termination codon (p.Ala83Cysfs*7), resulting in an absent or disrupted protein product. The variant has been identified in an individual with medullary thyroid carcinoma (PMID: 35454858). Loss-of-function variants in MSH6 are known to be pathogenic and frameshift/truncating variants located both upstream and downstream to this position have been reported in individuals with Lynch syndrome-associated cancers (PMID: 20028993, 18269114). The variant is reported in ClinVar (ID: 954946). This variant is absent in the general population database (gnomAD). Therefore, the c.246dup (p.Ala83Cysfs*7) variant of MSH6 has been classified as pathogenic.

This study involves interpretation of variants in research participants for the purpose of population health screening. Participant phenotype was not available at the time of variant classification. Additional details can be found in publication PMID: 35346344, PMCID: PMC8962531

Labcorp Genetics (formerly Invitae), Labcorp
Classification: Pathogenic for Hereditary nonpolyposis colorectal neoplasms. Last evaluated: 2019-08-27. Review status: criteria provided, single submitter. Criteria: Invitae Variant Classification Sherloc (09022015). Collection method: clinical testing. Allele origin: germline.
Comment: For these reasons, this variant has been classified as Pathogenic. Loss-of-function variants in MSH6 are known to be pathogenic (PMID: 18269114, 24362816). This variant has not been reported in the literature in individuals with MSH6-related conditions. The frequency data for this variant in the population databases is considered unreliable, as metrics indicate insufficient coverage at this position in the ExAC database. This sequence change creates a premature translational stop signal (p.Ala83Cysfs*7) in the MSH6 gene. It is expected to result in an absent or disrupted protein product.

Literature cited by the submitters: PubMed 18269114 (cited by All of Us Research Program, National Institutes of Health and Labcorp Genetics (formerly Invitae), Labcorp); PubMed 20028993 (cited by All of Us Research Program, National Institutes of Health); PubMed 35454858 (cited by All of Us Research Program, National Institutes of Health); PubMed 24362816 (cited by Labcorp Genetics (formerly Invitae), Labcorp).